The following is an entry in ClinVar:

ClinVar aggregate classification (germline): Uncertain significance (1 of 4 stars; one submission).

Conditions:
Myofibrillar myopathy 3 (MFM3). Also called: Muscular dystrophy, proximal, type 1A; Autosomal dominant spheroid body myopathy. Identifiers: Orphanet 266, Orphanet 268129, MedGen C3714934, MONDO:0012215, OMIM 609200.

Submission:

Labcorp Genetics (formerly Invitae), Labcorp
Classification: Uncertain significance for Myofibrillar myopathy 3. Last evaluated: 2022-12-17. Review status: criteria provided, single submitter. Criteria: Invitae Variant Classification Sherloc (09022015). Collection method: clinical testing. Allele origin: germline.
Comment: In summary, the available evidence is currently insufficient to determine the role of this variant in disease. Therefore, it has been classified as a Variant of Uncertain Significance. This sequence change replaces leucine, which is neutral and non-polar, with methionine, which is neutral and non-polar, at codon 21 of the MYOT protein (p.Leu21Met). This variant is not present in population databases (gnomAD no frequency). This variant has not been reported in the literature in individuals affected with MYOT-related conditions. Algorithms developed to predict the effect of missense changes on protein structure and function (SIFT, PolyPhen-2, Align-GVGD) all suggest that this variant is likely to be tolerated.

NM_006790.3(MYOT):c.61T>A (p.Leu21Met)

Genes: PKD2L2-DT (PKD2L2 divergent transcript; minus strand), MYOT (myotilin; plus strand). Cytogenetic location: 5q31.2.
Variant type: single nucleotide variant.
Coding change: c.61T>A on transcript NM_006790.3 (MANE Select); coding-DNA position 61, T replaced by A.
Protein change: p.Leu21Met; replaces leucine 21 with methionine.
Molecular consequence: missense variant. On other transcripts: intron variant (2).
Genome position (GRCh38, 1-based): chr5:137,870,712, T>A. VCF-style: chr5-137870712-T-A. GRCh37 (hg19) VCF-style: chr5-137206401-T-A.
Other names: c.-120-165T>A (NM_001300911.2); c.-197+187T>A (NM_001135940.2); short protein forms L21M.
Identifiers: ClinVar variation 2914572 (VCV002914572.3), dbSNP rs150786535, ClinGen allele CA361477868.